The following is an entry in ClinVar:

ClinVar aggregate classification (germline): Uncertain significance. Review status: criteria provided, multiple submitters, no conflicts (2 of 4 stars). 2 submissions from 2 submitters: Uncertain significance (2). Last evaluated 2024-10-07.

Conditions:
Cardiovascular phenotype. Identifiers: MedGen CN230736.
Distal myopathy with posterior leg and anterior hand involvement. Also called: WILLIAMS DISTAL MYOPATHY. Identifiers: Orphanet 63273, MedGen C3279722, MONDO:0013550, OMIM 614065.
Hypertrophic cardiomyopathy 26. Also called: Cardiomyopathy, familial hypertrophic, 26. Identifiers: Orphanet 75249, MedGen C4310749, MONDO:0014883, OMIM 617047.
Myofibrillar myopathy 5. Also called: FILAMINOPATHY, AUTOSOMAL DOMINANT; Filaminopathy (type). Identifiers: Orphanet 171445, MedGen C1836050, MONDO:0012289, OMIM 609524.

gnomAD v4.1: 1 of 1,609,140 alleles (0.000062%); no homozygotes.

Submissions (2):

Labcorp Genetics (formerly Invitae), Labcorp
Classification: Uncertain significance for Distal myopathy with posterior leg and anterior hand involvement; Myofibrillar myopathy 5; Hypertrophic cardiomyopathy 26. Last evaluated: 2024-10-07. Review status: criteria provided, single submitter. Criteria: Invitae Variant Classification Sherloc (09022015). Collection method: clinical testing. Allele origin: germline.
Comment: This sequence change replaces lysine, which is basic and polar, with arginine, which is basic and polar, at codon 860 of the FLNC protein (p.Lys860Arg). This variant is not present in population databases (gnomAD no frequency). This variant has not been reported in the literature in individuals affected with FLNC-related conditions. Invitae Evidence Modeling of protein sequence and biophysical properties (such as structural, functional, and spatial information, amino acid conservation, physicochemical variation, residue mobility, and thermodynamic stability) has been performed for this missense variant. However, the output from this modeling did not meet the statistical confidence thresholds required to predict the impact of this variant on FLNC protein function. In summary, the available evidence is currently insufficient to determine the role of this variant in disease. Therefore, it has been classified as a Variant of Uncertain Significance.

Ambry Genetics
Classification: Uncertain significance for Cardiovascular phenotype. Last evaluated: 2023-10-02. Review status: criteria provided, single submitter. Criteria: Ambry Variant Classification Scheme 2023. Collection method: clinical testing. Allele origin: germline.
Comment: The p.K860R variant (also known as c.2579A>G), located in coding exon 17 of the FLNC gene, results from an A to G substitution at nucleotide position 2579. The lysine at codon 860 is replaced by arginine, an amino acid with highly similar properties. This amino acid position is conserved. In addition, the in silico prediction for this alteration is inconclusive. Since supporting evidence is limited at this time, the clinical significance of this alteration remains unclear.

NM_001458.5(FLNC):c.2579A>G (p.Lys860Arg)

Gene: FLNC (filamin C; plus strand). Cytogenetic location: 7q32.1.
Variant type: single nucleotide variant.
Coding change: c.2579A>G on transcript NM_001458.5 (MANE Select); coding-DNA position 2579, A replaced by G.
Protein change: p.Lys860Arg; replaces lysine 860 with arginine.
Molecular consequence: missense variant.
Genome position (GRCh38, 1-based): chr7:128,843,257, A>G. VCF-style: chr7-128843257-A-G. GRCh37 (hg19) VCF-style: chr7-128483311-A-G.
Other names: c.2579A>G, p.Lys860Arg (NM_001127487.2); short protein forms K860R.
Identifiers: ClinVar variation 3221712 (VCV003221712.3), dbSNP rs2536633218, ClinGen allele CA369192314.